The following is an entry in ClinVar:

NM_002470.4(MYH3):c.2264C>G (p.Thr755Ser)

Gene: MYH3 (myosin heavy chain 3; minus strand). Cytogenetic location: 17p13.1.
Variant type: single nucleotide variant.
Coding change: c.2264C>G on transcript NM_002470.4 (MANE Select); coding-DNA position 2264, C replaced by G.
Protein change: p.Thr755Ser; replaces threonine 755 with serine.
Molecular consequence: missense variant.
Genome position (GRCh38, 1-based): chr17:10,640,588, G>C on the plus strand (C>G on the coding strand, the complement: MYH3 is on the minus strand). VCF-style: chr17-10640588-G-C. GRCh37 (hg19) VCF-style: chr17-10543905-G-C.
Other names: short protein forms T755S.
Identifiers: ClinVar variation 2633898 (VCV002633898.1), dbSNP rs934822593, ClinGen allele CA398164957.

ClinVar aggregate classification (germline): Uncertain significance (1 of 4 stars; one submission).

Conditions:
MYH3-related disorder. Also called: MYH3-Related Disorders; MYH3-related condition. Identifiers: MedGen CN239329.

Submission:

PreventionGenetics, part of Exact Sciences
Classification: Uncertain significance for MYH3-related condition. Last evaluated: 2023-04-02. Review status: criteria provided, single submitter. Criteria: ACMG Guidelines, 2015. Collection method: clinical testing. Allele origin: germline.
Comment: The MYH3 c.2264C>G variant is predicted to result in the amino acid substitution p.Thr755Ser. To our knowledge, this variant has not been reported in the literature or in a large population database, indicating this variant is rare. At this time, the clinical significance of this variant is uncertain due to the absence of conclusive functional and genetic evidence.